The following is an entry in ClinVar:

ClinVar aggregate classification (germline): Benign/Likely benign. Review status: criteria provided, multiple submitters, no conflicts (2 of 4 stars). 5 submissions from 5 submitters: Benign (2); Likely benign (3). Last evaluated 2026-01-19.

Conditions:
Hereditary sensory neuropathy-deafness-dementia syndrome. Also called: Hereditary sensory neuropathy type IE; Hereditary Sensory and Autonomic Neuropathy Type 1E (HSAN1E); NEUROPATHY, HEREDITARY SENSORY, WITH HEARING LOSS AND DEMENTIA; HSN IE. Identifiers: Orphanet 456318, MedGen C3279885, MONDO:0013584, OMIM 614116.

Allele frequency attached by ClinVar (database versions not stated): gnomAD exomes 0.00020 and 0.00049; ExAC 0.00087; ESP Exome Variant Server 0.00208; gnomAD 0.00236 and 0.00255; TOPMed 0.00269; 1000 Genomes Project 0.00339; 1000 Genomes Project 30x 0.00359.
gnomAD v4.1: 670 of 1,604,096 alleles (0.042%); highest among the groups gnomAD compares: African/African-American, 0.77%; 5 homozygotes.

Submissions (5):

Labcorp Genetics (formerly Invitae), Labcorp
Classification: Benign for Hereditary sensory neuropathy-deafness-dementia syndrome. Last evaluated: 2026-01-19. Review status: criteria provided, single submitter. Criteria: Invitae Variant Classification Sherloc (09022015). Collection method: clinical testing. Allele origin: germline.

CeGaT Center for Human Genetics Tuebingen
Classification: Likely benign. Last evaluated: 2024-08-01. Review status: criteria provided, single submitter. Criteria: CeGaT Center For Human Genetics Tuebingen Variant Classification Criteria Version 2. Collection method: clinical testing. Allele origin: germline. Affected: yes. Observed: 1 variant allele.
Comment: DNMT1: BP4, BP7

Blueprint Genetics
Classification: Likely benign. Last evaluated: 2024-07-04. Review status: criteria provided, single submitter. Criteria: ACMG Guidelines, 2015. Collection method: clinical testing. Allele origin: germline.

ARUP Laboratories, Molecular Genetics and Genomics, ARUP Laboratories
Classification: Benign. Last evaluated: 2019-03-12. Review status: criteria provided, single submitter. Criteria: ARUP Molecular Germline Variant Investigation Process. Collection method: clinical testing. Allele origin: germline.

GeneDx
Classification: Likely benign. Last evaluated: 2017-02-14. Review status: criteria provided, single submitter. Criteria: GeneDx Variant Classification (06012015). Collection method: clinical testing. Allele origin: germline. Affected: yes.
Comment: This variant is considered likely benign or benign based on one or more of the following criteria: it is a conservative change, it occurs at a poorly conserved position in the protein, it is predicted to be benign by multiple in silico algorithms, and/or has population frequency not consistent with disease.

NM_001130823.3(DNMT1):c.4773+18C>T

Genes: DNMT1 (DNA methyltransferase 1; minus strand), LOC126862853 (CDK7 strongly-dependent group 2 enhancer GRCh37_chr19:10246117-10247316; plus strand). Cytogenetic location: 19p13.2.
Variant type: single nucleotide variant.
Coding change: c.4773+18C>T on transcript NM_001130823.3 (MANE Select); 18 bases into the intron after coding-DNA position 4773, C replaced by T.
Molecular consequence: intron variant.
Genome position (GRCh38, 1-based): chr19:10,135,718, G>A on the plus strand (C>T on the coding strand, the complement: DNMT1 is on the minus strand). VCF-style: chr19-10135718-G-A. GRCh37 (hg19) VCF-style: chr19-10246394-G-A.
Other names: c.4773+18C>T (LRG_362t1); c.4410+18C>T (NM_001318731.2); c.4725+18C>T (NM_001379.4); c.4734+18C>T (NM_001318730.2).
Identifiers: ClinVar variation 377791 (VCV000377791.33), dbSNP rs183300496, ClinGen allele CA9187430.